The following is an entry in ClinVar:

NM_006059.4(LAMC3):c.4519G>A (p.Glu1507Lys)

Gene: LAMC3 (laminin subunit gamma 3; plus strand). Cytogenetic location: 9q34.12.
Variant type: single nucleotide variant.
Coding change: c.4519G>A on transcript NM_006059.4 (MANE Select); coding-DNA position 4519, G replaced by A.
Protein change: p.Glu1507Lys; replaces glutamic acid 1507 with lysine.
Molecular consequence: missense variant.
Genome position (GRCh38, 1-based): chr9:131,091,578, G>A. VCF-style: chr9-131091578-G-A. GRCh37 (hg19) VCF-style: chr9-133966965-G-A.
Other names: short protein forms E1507K.
Identifiers: ClinVar variation 1389300 (VCV001389300.5), dbSNP rs750892925, ClinGen allele CA5288209.
Genomic context (GRCh38, chr9:131,091,578, plus strand): 5'-TGTTTGTGCCCCACCACAGGGTCGCTGGACACCCATCAAGCCCCAGCCCAGGCCCTGAAC[G>A]AGACTCAGTGGGCACTAGAACGCCTGAGGCTGCAGCTGGGCTCCCCGGGGTCCTTGCAGA-3'
Protein context (NP_006050.3, residues 1497-1517): THQAPAQALN[Glu1507Lys]TQWALERLRL

ClinVar aggregate classification (germline): Uncertain significance (1 of 4 stars; one submission).

Allele frequency attached by ClinVar (database versions not stated): gnomAD exomes 0.00001 and 0.00002; TOPMed 0.00002; gnomAD 0.00003 and 0.00004; ExAC 0.00005.
gnomAD v4.1: 18 of 1,589,990 alleles (0.0011%); highest among the groups gnomAD compares: Middle Eastern, 0.017%; no homozygotes.

Submission:

Labcorp Genetics (formerly Invitae), Labcorp
Classification: Uncertain significance. Last evaluated: 2022-09-13. Review status: criteria provided, single submitter. Criteria: Invitae Variant Classification Sherloc (09022015). Collection method: clinical testing. Allele origin: germline.
Comment: This sequence change replaces glutamic acid, which is acidic and polar, with lysine, which is basic and polar, at codon 1507 of the LAMC3 protein (p.Glu1507Lys). The frequency data for this variant in the population databases is considered unreliable, as metrics indicate poor data quality at this position in the gnomAD database. This variant has not been reported in the literature in individuals affected with LAMC3-related conditions. ClinVar contains an entry for this variant (Variation ID: 1389300). Algorithms developed to predict the effect of missense changes on protein structure and function are either unavailable or do not agree on the potential impact of this missense change (SIFT: "Tolerated"; PolyPhen-2: "Possibly Damaging"; Align-GVGD: "Class C0"). In summary, the available evidence is currently insufficient to determine the role of this variant in disease. Therefore, it has been classified as a Variant of Uncertain Significance.